The following is an entry in ClinVar:

NM_144991.3(TSPEAR):c.1676_1677dup (p.Val560fs)

Genes: TSPEAR (thrombospondin type laminin G domain and EAR repeats; minus strand), TSPEAR-AS1 (TSPEAR antisense RNA 1; plus strand), LOC126653398 (CDK7 strongly-dependent group 2 enhancer GRCh37_chr21:45928270-45929469; plus strand). Cytogenetic location: 21q22.3.
Variant type: Duplication.
Coding change: c.1676_1677dup on transcript NM_144991.3 (MANE Select); coding-DNA positions 1676 to 1677, 2 bases duplicated (AT; older notation c.1676_1677dupAT).
Protein change: p.Val560fs; shifts the reading frame from valine 560.
Molecular consequence: frameshift variant. On other transcripts: non-coding transcript variant (1).
Genome position (GRCh38, 1-based): chr21:44,509,276-44,509,277, AT duplicated on the plus strand (AT on the coding strand, the reverse complement: TSPEAR is on the minus strand); duplicating any 2 consecutive bases within chr21:44,509,276-44,509,278 gives the same sequence; the c. name uses the placement nearest the transcript's 3' end. VCF-style (leftmost placement, unchanged base first): chr21-44509275-C-CAT. GRCh37 (hg19) VCF-style: chr21-45929158-C-CAT.
Other names: c.1472_1473dup, p.Val492fs (NM_001272037.2); short protein forms V492fs, V560fs.
Identifiers: ClinVar variation 3252420 (VCV003252420.1), dbSNP rs781890406.

ClinVar aggregate classification (germline): Pathogenic (1 of 4 stars; one submission).

Submission:

GeneDx
Classification: Pathogenic. Last evaluated: 2024-02-13. Review status: criteria provided, single submitter. Criteria: GeneDx Variant Classification Process June 2021. Collection method: clinical testing. Allele origin: germline. Affected: yes.
Comment: Frameshift variant predicted to result in protein truncation or nonsense mediated decay in a gene for which loss of function is a known mechanism of disease; Not observed at significant frequency in large population cohorts (gnomAD); Has not been previously published as pathogenic or benign to our knowledge